The following is an entry in ClinVar:

ClinVar aggregate classification (germline): Uncertain significance (1 of 4 stars; one submission).

Conditions:
Dyskeratosis congenita, autosomal dominant 2. Identifiers: MedGen C3151443, MONDO:0013521, OMIM 613989.
Idiopathic Pulmonary Fibrosis. Also called: Idiopathic fibrosing alveolitis, chronic form; idiopathic fibrosing alveolitis. Identifiers: Orphanet 2032, MedGen C1800706, MeSH D054990, MONDO:0800504.

Submission:

Labcorp Genetics (formerly Invitae), Labcorp
Classification: Uncertain significance for Dyskeratosis congenita, autosomal dominant 2; Idiopathic Pulmonary Fibrosis. Last evaluated: 2020-07-01. Review status: criteria provided, single submitter. Criteria: Invitae Variant Classification Sherloc (09022015). Collection method: clinical testing. Allele origin: germline.
Comment: This variant has not been reported in the literature in individuals with TERT-related conditions. In summary, the available evidence is currently insufficient to determine the role of this variant in disease. Therefore, it has been classified as a Variant of Uncertain Significance. Algorithms developed to predict the effect of missense changes on protein structure and function are either unavailable or do not agree on the potential impact of this missense change (SIFT: "Tolerated"; PolyPhen-2: "Possibly Damaging"; Align-GVGD: "Class C0"). This variant is not present in population databases (ExAC no frequency). This sequence change replaces alanine with glycine at codon 1049 of the TERT protein (p.Ala1049Gly). The alanine residue is weakly conserved and there is a small physicochemical difference between alanine and glycine.

NM_198253.3(TERT):c.3146C>G (p.Ala1049Gly)

Gene: TERT (telomerase reverse transcriptase; minus strand). Cytogenetic location: 5p15.33.
Variant type: single nucleotide variant.
Coding change: c.3146C>G on transcript NM_198253.3 (MANE Select); coding-DNA position 3146, C replaced by G.
Protein change: p.Ala1049Gly; replaces alanine 1049 with glycine.
Molecular consequence: missense variant. On other transcripts: non-coding transcript variant (2).
Genome position (GRCh38, 1-based): chr5:1,255,298, G>C on the plus strand (C>G on the coding strand, the complement: TERT is on the minus strand). VCF-style: chr5-1255298-G-C. GRCh37 (hg19) VCF-style: chr5-1255413-G-C.
Other names: c.2957C>G, p.Ala986Gly (NM_001193376.3); short protein forms A1049G, A986G.
Identifiers: ClinVar variation 1051135 (VCV001051135.9), dbSNP rs2126562351, ClinGen allele CA359068025.
Genomic context (GRCh38, chr5:1,255,298, plus strand): 5'-CACCAGCAGGCAGGCACTGCTGCCACTGAGGCCAGGCACCTGCACATACCTGCGTTCTTG[G>C]CTTTCAGGATGGAGTAGCAGAGGGAGGCCGTGTCAGAGATGACGCGCAGGAAAAATGTGG-3'
Protein context (NP_937983.2, residues 1039-1059): TASLCYSILK[Ala1049Gly]KNAGMSLGAK